The following is an entry in ClinVar:

ClinVar aggregate classification (germline): Pathogenic/Likely pathogenic. Review status: criteria provided, multiple submitters, no conflicts (2 of 4 stars). 2 submissions from 2 submitters: Pathogenic (1); Likely pathogenic (1). Last evaluated 2023-11-07.

Conditions:
Alstrom syndrome (ALMS). Identifiers: Orphanet 64, MedGen C0268425, MONDO:0008763, OMIM 203800.
ALMS1-related disorder. Also called: ALMS1-related condition.

Submissions (2):

Labcorp Genetics (formerly Invitae), Labcorp
Classification: Pathogenic for Alstrom syndrome. Last evaluated: 2023-11-07. Review status: criteria provided, single submitter. Criteria: Invitae Variant Classification Sherloc (09022015). Collection method: clinical testing. Allele origin: germline.
Comment: This sequence change creates a premature translational stop signal (p.Leu886Serfs*11) in the ALMS1 gene. It is expected to result in an absent or disrupted protein product. Loss-of-function variants in ALMS1 are known to be pathogenic (PMID: 17594715). This variant is not present in population databases (gnomAD no frequency). This variant has not been reported in the literature in individuals affected with ALMS1-related conditions. For these reasons, this variant has been classified as Pathogenic.

Blueprint Genetics
Classification: Likely pathogenic for ALMS1-related disorders. Last evaluated: 2020-11-05. Review status: criteria provided, single submitter. Criteria: ACMG Guidelines, 2015. Collection method: clinical testing. Allele origin: germline. Affected: yes. Observed: 1 variant allele.

Literature cited by the submitters: PubMed 17594715 (cited by Labcorp Genetics (formerly Invitae), Labcorp).

NM_001378454.1(ALMS1):c.2652dup (p.Leu885fs)

Gene: ALMS1 (ALMS1 centrosome and basal body associated protein; plus strand). Cytogenetic location: 2p13.1.
Variant type: Duplication.
Coding change: c.2652dup on transcript NM_001378454.1 (MANE Select); coding-DNA position 2652, one base duplicated (T; older notation c.2652dupT).
Protein change: p.Leu885fs; shifts the reading frame from leucine 885.
Molecular consequence: frameshift variant.
Genome position (GRCh38, 1-based): chr2:73,449,179, T duplicated. VCF-style (leftmost placement, unchanged base first): chr2-73449178-C-CT. GRCh37 (hg19) VCF-style: chr2-73676305-C-CT.
Other names: c.2655dup, p.Leu886fs (NM_015120.4); short protein forms L886fs, L885fs.
Identifiers: ClinVar variation 2742658 (VCV002742658.4), dbSNP rs2466095260, ClinGen allele CA2697548311.
Genomic context (GRCh38, chr2:73,449,178, plus strand): 5'-GAGAAAAGCCCAGTGCTTTCTATCAGCAGACCTTACCCAATAGTCATCTAACTGAAGAGG[C>CT]TCTGAAAGTATCAATTGTTCCTGGACCAGGTGATCAGAAGACTGGGATACCCTCAGCACC-3'